The following is an entry in ClinVar:

NM_000702.4(ATP1A2):c.2876C>T (p.Thr959Met)

Gene: ATP1A2 (ATPase Na+/K+ transporting subunit alpha 2; plus strand). Cytogenetic location: 1q23.2.
Variant type: single nucleotide variant.
Coding change: c.2876C>T on transcript NM_000702.4 (MANE Select); coding-DNA position 2876, C replaced by T.
Protein change: p.Thr959Met; replaces threonine 959 with methionine.
Molecular consequence: missense variant.
Genome position (GRCh38, 1-based): chr1:160,139,675, C>T. VCF-style: chr1-160139675-C-T. GRCh37 (hg19) VCF-style: chr1-160109465-C-T.
Other names: short protein forms T959M.
Identifiers: ClinVar variation 460305 (VCV000460305.11), dbSNP rs1226796744, ClinGen allele CA343255172.

ClinVar aggregate classification (germline): Conflicting classifications of pathogenicity. Review status: criteria provided, conflicting classifications (1 of 4 stars). 3 submissions from 3 submitters: Likely pathogenic (1); Uncertain significance (2). Last evaluated 2024-05-18.

Conditions:
Familial hemiplegic migraine. Identifiers: MedGen C0338484, MONDO:0000700.

Allele frequency attached by ClinVar (database versions not stated): gnomAD exomes below 0.00001; gnomAD 0.00002; TOPMed 0.00002.
gnomAD v4.1: 10 of 1,614,040 alleles (0.00062%); highest among the groups gnomAD compares: Admixed American, 0.0033%; no homozygotes.

Submissions (3):

Labcorp Genetics (formerly Invitae), Labcorp
Classification: Likely pathogenic for Familial hemiplegic migraine. Last evaluated: 2024-05-18. Review status: criteria provided, single submitter. Criteria: Invitae Variant Classification Sherloc (09022015). Collection method: clinical testing. Allele origin: germline.
Comment: This sequence change replaces threonine, which is neutral and polar, with methionine, which is neutral and non-polar, at codon 959 of the ATP1A2 protein (p.Thr959Met). This variant is present in population databases (no rsID available, gnomAD no frequency). This missense change has been observed in individual(s) with ATP1A2-related disease (Invitae). In at least one individual the variant was observed to be de novo. ClinVar contains an entry for this variant (Variation ID: 460305). Advanced modeling of protein sequence and biophysical properties (such as structural, functional, and spatial information, amino acid conservation, physicochemical variation, residue mobility, and thermodynamic stability) performed at Invitae indicates that this missense variant is not expected to disrupt ATP1A2 protein function with a negative predictive value of 80%. In summary, the currently available evidence indicates that the variant is pathogenic, but additional data are needed to prove that conclusively. Therefore, this variant has been classified as Likely Pathogenic.

Mendelics
Classification: Uncertain significance. Last evaluated: 2022-05-04. Review status: criteria provided, single submitter. Criteria: Mendelics Assertion Criteria 2019. Collection method: clinical testing. Allele origin: germline.

GeneDx
Classification: Uncertain significance. Last evaluated: 2019-05-15. Review status: criteria provided, single submitter. Criteria: GeneDx Variant Classification Process June 2021. Collection method: clinical testing. Allele origin: germline. Affected: yes.
Comment: Not observed in large population cohorts (Lek et al., 2016); In silico analysis, which includes protein predictors and evolutionary conservation, supports a deleterious effect; Has not been previously published as pathogenic or benign to our knowledge